The following is an entry in ClinVar:

NM_017739.4(POMGNT1):c.1975C>T (p.Gln659Ter)

Genes: TSPAN1 (tetraspanin 1; plus strand), POMGNT1 (protein O-linked mannose N-acetylglucosaminyltransferase 1 (beta 1,2-); minus strand). Cytogenetic location: 1p34.1.
Variant type: single nucleotide variant.
Coding change: c.1975C>T on transcript NM_017739.4 (MANE Select); coding-DNA position 1975, C replaced by T.
Protein change: p.Gln659Ter; replaces glutamine 659 with a stop codon.
Molecular consequence: nonsense. On other transcripts: missense variant (1), intron variant (1).
Genome position (GRCh38, 1-based): chr1:46,189,278, G>A on the plus strand (C>T on the coding strand, the complement: POMGNT1 is on the minus strand). VCF-style: chr1-46189278-G-A. GRCh37 (hg19) VCF-style: chr1-46654950-G-A.
Other names: c.1949C>T, p.Thr650Ile (NM_001243766.2); c.1909C>T, p.Gln637Ter (NM_001290129.3); c.1546C>T, p.Gln516Ter (NM_001290130.2); c.1895+180C>T (NM_001410783.1); short protein forms Q516*, Q637*, Q659*, T650I.
Identifiers: ClinVar variation 1339913 (VCV001339913.7), dbSNP rs766290773, ClinGen allele CA833179.
Genomic context (GRCh38, chr1:46,189,278, plus strand): 5'-AGCCAGCCTGGGGGTACACAGTACCCAGCCCCGCAGGGTCCTGGAGGAGGTCTCATGTCT[G>A]TTCTGGGGCTCCTGGGGCTCCCTCCTCCTTTGGGGGTGGCTCCAGGAAAATTGGGGTGAC-3'

ClinVar aggregate classification (germline): Uncertain significance. Review status: criteria provided, single submitter (1 of 4 stars). 2 submissions from 2 submitters: Uncertain significance (1). 1 of the submissions does not count toward it. Last evaluated 2025-01-27.

Conditions:
POMGNT1-related disorder. Also called: POMGNT1-related condition; POMGNT1-related disorders. Identifiers: MedGen CN239299.
Optic atrophy. Identifiers: MedGen C0029124, MONDO:0003608, HP:0000648.
Autosomal recessive limb-girdle muscular dystrophy type 2O. Also called: Limb-Girdle Muscular Dystrophy Type 3C; MUSCULAR DYSTROPHY-DYSTROGLYCANOPATHY (LIMB-GIRDLE), TYPE C, 3; MUSCULAR DYSTROPHY-DYSTROGLYCANOPATHY, LIMB-GIRDLE, POMGNT1-RELATED. Identifiers: Orphanet 206564, MedGen C3150417, MONDO:0013161, OMIM 613157.
Muscular dystrophy-dystroglycanopathy (congenital with impaired intellectual development), type B, 3. Also called: MUSCULAR DYSTROPHY, CONGENITAL, POMGNT1-RELATED; Muscular dystrophy-dystroglycanopathy (congenital with intellectual disability), type B3. Identifiers: MedGen C3150412, MONDO:0013155, OMIM 613151.

Allele frequency attached by ClinVar (database versions not stated): ExAC 0.00002; TOPMed below 0.00001; gnomAD exomes 0.00001.
gnomAD v4.1: 11 of 1,613,586 alleles (0.00068%); highest among the groups gnomAD compares: Non-Finnish European, 0.00093%; no homozygotes.

Submissions (2):

Labcorp Genetics (formerly Invitae), Labcorp
Classification: Uncertain significance for Autosomal recessive limb-girdle muscular dystrophy type 2O; Muscular dystrophy-dystroglycanopathy (congenital with impaired intellectual development), type B, 3. Last evaluated: 2025-01-27. Review status: criteria provided, single submitter. Criteria: Invitae Variant Classification Sherloc (09022015). Collection method: clinical testing. Allele origin: germline.
Comment: This sequence change creates a premature translational stop signal (p.Gln659*) in the POMGNT1 gene. While this is not anticipated to result in nonsense mediated decay, it is expected to disrupt the last 2 amino acid(s) of the POMGNT1 protein. This variant is present in population databases (rs766290773, gnomAD 0.002%). This variant has not been reported in the literature in individuals affected with POMGNT1-related conditions. ClinVar contains an entry for this variant (Variation ID: 1339913). In summary, the available evidence is currently insufficient to determine the role of this variant in disease. Therefore, it has been classified as a Variant of Uncertain Significance.

Institute of Human Genetics, Univ. Regensburg, Univ. Regensburg
Classification: Uncertain significance for Optic atrophy. Last evaluated: 2023-01-01. Review status: no assertion criteria provided. Criteria: ACMG Guidelines, 2015. Collection method: clinical testing. Allele origin: germline. Affected: yes. Not counted in ClinVar's aggregate classification.